The following is an entry in ClinVar:

ClinVar aggregate classification (germline): Likely benign (0 of 4 stars; one submission).

Conditions:
MEGF10-related disorder. Also called: MEGF10-related condition.

Allele frequency attached by ClinVar (database versions not stated): gnomAD exomes 0.00001; ExAC 0.00002.
gnomAD v4.1: 8 of 1,614,098 alleles (0.0005%); highest among the groups gnomAD compares: Non-Finnish European, 0.00068%; no homozygotes.

Submission:

PreventionGenetics, part of Exact Sciences
Classification: Likely benign for MEGF10-related condition. Last evaluated: 2019-08-09. Review status: no assertion criteria provided. Collection method: clinical testing. Allele origin: germline.
Comment: This variant is classified as likely benign based on ACMG/AMP sequence variant interpretation guidelines (Richards et al. 2015 PMID: 25741868, with internal and published modifications).

NM_001256545.2(MEGF10):c.606C>T (p.Thr202=)

Gene: MEGF10 (multiple EGF like domains 10; plus strand). Cytogenetic location: 5q23.2.
Variant type: single nucleotide variant.
Coding change: c.606C>T on transcript NM_001256545.2 (MANE Select); coding-DNA position 606, C replaced by T.
Protein change: p.Thr202=; no amino-acid change (threonine 202 retained).
Molecular consequence: synonymous variant.
Genome position (GRCh38, 1-based): chr5:127,396,725, C>T. VCF-style: chr5-127396725-C-T. GRCh37 (hg19) VCF-style: chr5-126732417-C-T.
Other names: c.606C>T, p.Thr202= (NM_032446.3, NM_001308119.2, NM_001308121.2).
Identifiers: ClinVar variation 3035280 (VCV003035280.2), dbSNP rs775698351, ClinGen allele CA3391340.